The following is an entry in ClinVar:

NM_020693.4(DSCAML1):c.2438G>A (p.Arg813Gln)

Gene: DSCAML1 (DS cell adhesion molecule like 1; minus strand). Cytogenetic location: 11q23.3.
Variant type: single nucleotide variant.
Coding change: c.2438G>A on transcript NM_020693.4 (MANE Select); coding-DNA position 2438, G replaced by A.
Protein change: p.Arg813Gln; replaces arginine 813 with glutamine.
Molecular consequence: missense variant.
Genome position (GRCh38, 1-based): chr11:117,482,084, C>T on the plus strand (G>A on the coding strand, the complement: DSCAML1 is on the minus strand). VCF-style: chr11-117482084-C-T. GRCh37 (hg19) VCF-style: chr11-117352799-C-T.
Other names: c.2618G>A (NM_020693.2); c.2438G>A, p.Arg813Gln (NM_001367904.1); short protein forms R813Q.
Identifiers: ClinVar variation 2709208 (VCV002709208.4), dbSNP rs370044783, ClinGen allele CA6297007.

ClinVar aggregate classification (germline): Uncertain significance. Review status: criteria provided, multiple submitters, no conflicts (2 of 4 stars). 2 submissions from 2 submitters: Uncertain significance (2). Last evaluated 2026-01-26.

Allele frequency attached by ClinVar (database versions not stated): ExAC 0.00001; gnomAD exomes 0.00001; TOPMed 0.00002; gnomAD 0.00003; ESP Exome Variant Server 0.00008.
gnomAD v4.1: 23 of 1,614,058 alleles (0.0014%); highest among the groups gnomAD compares: Middle Eastern, 0.033%; no homozygotes.

Submissions (2):

Labcorp Genetics (formerly Invitae), Labcorp
Classification: Uncertain significance. Last evaluated: 2026-01-26. Review status: criteria provided, single submitter. Criteria: Invitae Variant Classification Sherloc (09022015). Collection method: clinical testing. Allele origin: germline.
Comment: This sequence change replaces arginine, which is basic and polar, with glutamine, which is neutral and polar, at codon 873 of the DSCAML1 protein (p.Arg873Gln). This variant is present in population databases (rs370044783, gnomAD 0.007%). This variant has not been reported in the literature in individuals affected with DSCAML1-related conditions. ClinVar contains an entry for this variant (Variation ID: 2709208). An algorithm developed to predict the effect of missense changes on protein structure and function (PolyPhen-2) suggests that this variant is likely to be disruptive. In summary, the available evidence is currently insufficient to determine the role of this variant in disease. Therefore, it has been classified as a Variant of Uncertain Significance.

Ambry Genetics
Classification: Uncertain significance. Last evaluated: 2024-09-27. Review status: criteria provided, single submitter. Criteria: Ambry Variant Classification Scheme 2023. Collection method: clinical testing. Allele origin: germline.